The following is an entry in ClinVar:

NM_020791.4(TAOK1):c.1916dup (p.Asn639fs)

Gene: TAOK1 (TAO kinase 1; plus strand). Cytogenetic location: 17q11.2.
Variant type: Duplication.
Coding change: c.1916dup on transcript NM_020791.4 (MANE Select); coding-DNA position 1916, one base duplicated (A; older notation c.1916dupA).
Protein change: p.Asn639fs; shifts the reading frame from asparagine 639.
Molecular consequence: frameshift variant. On other transcripts: intron variant (1).
Genome position (GRCh38, 1-based): chr17:29,522,287, A duplicated; the last of 3 consecutive A bases (chr17:29,522,285-29,522,287); duplicating any one gives the same sequence. VCF-style (leftmost placement, unchanged base first): chr17-29522284-T-TA. GRCh37 (hg19) VCF-style: chr17-27849302-T-TA.
Other names: c.1705-8120dup (NM_025142.1); short protein forms N639fs.
Identifiers: ClinVar variation 2502349 (VCV002502349.1), dbSNP rs2508304150, ClinGen allele CA2580614035.

ClinVar aggregate classification (germline): Likely pathogenic (1 of 4 stars; one submission).

Conditions:
Developmental delay with or without intellectual impairment or behavioral abnormalities. Identifiers: MedGen C5562004, MONDO:0859199, OMIM 619575.

Submission:

Institute of Human Genetics, University of Leipzig Medical Center
Classification: Likely pathogenic for Developmental delay with or without intellectual impairment or behavioral abnormalities. Last evaluated: 2023-04-24. Review status: criteria provided, single submitter. Criteria: ACMG Guidelines, 2015. Collection method: clinical testing. Allele origin: unknown. Affected: yes.
Comment: _x000D_ Criteria applied: PVS1, PM2_SUP